The following is an entry in ClinVar:

ClinVar aggregate classification (germline): Uncertain significance (1 of 4 stars; one submission).

Conditions:
Joubert syndrome. Also called: JOUBERT-BOLTSHAUSER SYNDROME; Familial aplasia of the vermis. Identifiers: Orphanet 475, MedGen C5979921, MONDO:0018772.
Meckel-Gruber syndrome. Also called: DYSENCEPHALIA SPLANCHNOCYSTICA; GRUBER SYNDROME; Dysencephalia splachnocystica. Identifiers: Orphanet 564, MedGen C0265215, MONDO:0018921.

Allele frequency attached by ClinVar (database versions not stated): gnomAD exomes below 0.00001; ExAC 0.00001.
gnomAD v4.1: 1 of 1,605,638 alleles (0.000062%); highest among the groups gnomAD compares: South Asian, 0.0011%; no homozygotes.

Submission:

Labcorp Genetics (formerly Invitae), Labcorp
Classification: Uncertain significance for Joubert syndrome; Meckel-Gruber syndrome. Last evaluated: 2021-07-24. Review status: criteria provided, single submitter. Criteria: Invitae Variant Classification Sherloc (09022015). Collection method: clinical testing. Allele origin: germline.
Comment: This sequence change replaces cysteine with glycine at codon 1112 of the CC2D2A protein (p.Cys1112Gly). The cysteine residue is highly conserved and there is a large physicochemical difference between cysteine and glycine. In summary, the available evidence is currently insufficient to determine the role of this variant in disease. Therefore, it has been classified as a Variant of Uncertain Significance. Advanced modeling of protein sequence and biophysical properties (such as structural, functional, and spatial information, amino acid conservation, physicochemical variation, residue mobility, and thermodynamic stability) performed at Invitae indicates that this missense variant is expected to disrupt CC2D2A protein function. This variant has not been reported in the literature in individuals affected with CC2D2A-related conditions. This variant is present in population databases (rs754824046, ExAC 0.007%).

NM_001378615.1(CC2D2A):c.3334T>G (p.Cys1112Gly)

Genes: CC2D2A (coiled-coil and C2 domain containing 2A; plus strand), FBXL5 (F-box and leucine rich repeat protein 5; minus strand). Cytogenetic location: 4p15.32.
Variant type: single nucleotide variant.
Coding change: c.3334T>G on transcript NM_001378615.1 (MANE Select); coding-DNA position 3334, T replaced by G.
Protein change: p.Cys1112Gly; replaces cysteine 1112 with glycine.
Molecular consequence: missense variant.
Genome position (GRCh38, 1-based): chr4:15,567,722, T>G. VCF-style: chr4-15567722-T-G. GRCh37 (hg19) VCF-style: chr4-15569345-T-G.
Other names: c.3334T>G, p.Cys1112Gly (NM_001080522.2); c.3187T>G, p.Cys1063Gly (NM_001378617.1); short protein forms C1063G, C1112G.
Identifiers: ClinVar variation 1521171 (VCV001521171.8), dbSNP rs754824046, ClinGen allele CA2864144.
Genomic context (GRCh38, chr4:15,567,722, plus strand): 5'-GCTCTTGATTTTAAGGTTTTAGTACGTCCCTTTGTAGAAGTCTCTTTTCAACGAACAGTT[T>G]GCCATACGACTACGGCTGAAGGACCAAACCCTAGCTGGAATGAAGAACTAGAACTTCCAT-3'
Protein context (NP_001365544.1, residues 1102-1122): FVEVSFQRTV[Cys1112Gly]HTTTAEGPNP